The following is an entry in ClinVar:

ClinVar aggregate classification (germline): Uncertain significance (1 of 4 stars; one submission).

Allele frequency attached by ClinVar (database versions not stated): gnomAD exomes below 0.00001; ExAC 0.00001.
gnomAD v4.1: 4 of 1,614,158 alleles (0.00025%); highest among the groups gnomAD compares: Middle Eastern, 0.033%; no homozygotes.

Submission:

Labcorp Genetics (formerly Invitae), Labcorp
Classification: Uncertain significance. Last evaluated: 2024-06-22. Review status: criteria provided, single submitter. Criteria: Invitae Variant Classification Sherloc (09022015). Collection method: clinical testing. Allele origin: germline.
Comment: This sequence change replaces aspartic acid, which is acidic and polar, with glutamic acid, which is acidic and polar, at codon 61 of the LRRC10 protein (p.Asp61Glu). This variant is present in population databases (rs771668401, gnomAD no frequency). This variant has not been reported in the literature in individuals affected with LRRC10-related conditions. ClinVar contains an entry for this variant (Variation ID: 2195905). An algorithm developed to predict the effect of missense changes on protein structure and function (PolyPhen-2) suggests that this variant is likely to be disruptive. In summary, the available evidence is currently insufficient to determine the role of this variant in disease. Therefore, it has been classified as a Variant of Uncertain Significance.

NM_201550.4(LRRC10):c.183C>A (p.Asp61Glu)

Gene: LRRC10 (leucine rich repeat containing 10; minus strand). Cytogenetic location: 12q15.
Variant type: single nucleotide variant.
Coding change: c.183C>A on transcript NM_201550.4 (MANE Select); coding-DNA position 183, C replaced by A.
Protein change: p.Asp61Glu; replaces aspartic acid 61 with glutamic acid.
Molecular consequence: missense variant.
Genome position (GRCh38, 1-based): chr12:69,610,656, G>T on the plus strand (C>A on the coding strand, the complement: LRRC10 is on the minus strand). VCF-style: chr12-69610656-G-T. GRCh37 (hg19) VCF-style: chr12-70004436-G-T.
Other names: short protein forms D61E.
Identifiers: ClinVar variation 2195905 (VCV002195905.4), dbSNP rs771668401, ClinGen allele CA6681116.